The following is an entry in ClinVar:

ClinVar aggregate classification (germline): Uncertain significance. Review status: criteria provided, multiple submitters, no conflicts (2 of 4 stars). 2 submissions from 2 submitters: Uncertain significance (2). Last evaluated 2024-07-27.

Conditions:
Inborn genetic diseases. Identifiers: MedGen C0950123, MeSH D030342.

Allele frequency attached by ClinVar (database versions not stated): gnomAD exomes 0.00001; TOPMed 0.00001; ExAC 0.00002.
gnomAD v4.1: 5 of 1,613,844 alleles (0.00031%); highest among the groups gnomAD compares: Admixed American, 0.0083%; no homozygotes.

Submissions (2):

Ambry Genetics
Classification: Uncertain significance for Inborn genetic diseases. Last evaluated: 2024-07-27. Review status: criteria provided, single submitter. Criteria: Ambry Variant Classification Scheme 2023. Collection method: clinical testing. Allele origin: germline.

Labcorp Genetics (formerly Invitae), Labcorp
Classification: Uncertain significance. Last evaluated: 2022-08-13. Review status: criteria provided, single submitter. Criteria: Invitae Variant Classification Sherloc (09022015). Collection method: clinical testing. Allele origin: germline.
Comment: This sequence change replaces threonine, which is neutral and polar, with isoleucine, which is neutral and non-polar, at codon 2715 of the BPTF protein (p.Thr2715Ile). This variant is present in population databases (rs782275926, gnomAD 0.02%). This variant has not been reported in the literature in individuals affected with BPTF-related conditions. Algorithms developed to predict the effect of missense changes on protein structure and function are either unavailable or do not agree on the potential impact of this missense change (SIFT: "Deleterious"; PolyPhen-2: "Probably Damaging"; Align-GVGD: "Class C0"). In summary, the available evidence is currently insufficient to determine the role of this variant in disease. Therefore, it has been classified as a Variant of Uncertain Significance.

NM_182641.4(BPTF):c.8195C>T (p.Thr2732Ile)

Gene: BPTF (bromodomain PHD finger transcription factor; plus strand). Cytogenetic location: 17q24.2.
Variant type: single nucleotide variant.
Coding change: c.8195C>T on transcript NM_182641.4 (MANE Select); coding-DNA position 8195, C replaced by T.
Protein change: p.Thr2732Ile; replaces threonine 2732 with isoleucine.
Molecular consequence: missense variant.
Genome position (GRCh38, 1-based): chr17:67,959,809, C>T. VCF-style: chr17-67959809-C-T. GRCh37 (hg19) VCF-style: chr17-65955925-C-T.
Other names: c.8144C>T, p.Thr2715Ile (NM_004459.7); c.8195C>T (NM_182641.3); short protein forms T2715I, T2732I.
Identifiers: ClinVar variation 2040783 (VCV002040783.5), dbSNP rs782275926, ClinGen allele CA8726538.
Genomic context (GRCh38, chr17:67,959,809, plus strand): 5'-AGCGGGAAGAGGAAAAAGACTCCAGCTCAAAGTCCAAGAAAAAGAAAATGATCTCTACTA[C>T]CTCAAAGGAAACTAAGAAGGACACAAAGCTTTACTGTATCTGTAAAACGCCTTATGATGA-3'
Protein context (NP_872579.2, residues 2722-2742): KSKKKKMIST[Thr2732Ile]SKETKKDTKL